The following is an entry in ClinVar:

ClinVar aggregate classification (germline): Uncertain significance (1 of 4 stars; one submission).

Submission:

Labcorp Genetics (formerly Invitae), Labcorp
Classification: Uncertain significance. Last evaluated: 2022-02-08. Review status: criteria provided, single submitter. Criteria: Invitae Variant Classification Sherloc (09022015). Collection method: clinical testing. Allele origin: germline.
Comment: In summary, the available evidence is currently insufficient to determine the role of this variant in disease. Therefore, it has been classified as a Variant of Uncertain Significance. Experimental studies and prediction algorithms are not available or were not evaluated, and the functional significance of this variant is currently unknown. This variant has not been reported in the literature in individuals affected with MSH3-related conditions. This variant is a gross deletion of the genomic region encompassing exon(s) 21-23 of the MSH3 gene. This variant would be expected to be in-frame, preserving the integrity of the reading frame.

NC_000005.9:g.(?_80149939)_(80169116_?)del

Gene: MSH3 (mutS homolog 3; plus strand). Cytogenetic location: 5q14.1.
Variant type: Deletion.
Identifiers: ClinVar variation 1410623 (VCV001410623.5).